The following is an entry in ClinVar:

ClinVar aggregate classification (germline): Benign. Review status: criteria provided, multiple submitters, no conflicts (2 of 4 stars). 2 submissions from 2 submitters: Benign (2). Last evaluated 2017-04-27.

Conditions:
X-linked lymphoproliferative disease due to XIAP deficiency. Also called: XIAP DEFICIENCY; XIAP-Related Lymphoproliferative Disease, X-Linked. Identifiers: Orphanet 2442, Orphanet 538934, MedGen C1845076, MONDO:0010385, OMIM 300635.

Allele frequency attached by ClinVar (database versions not stated): gnomAD 0.17981 and 0.18644; TOPMed 0.19292; 1000 Genomes Project 30x 0.25682; 1000 Genomes Project 0.26570.
gnomAD v4.1: 61,395 of 285,764 alleles (21%); highest among the groups gnomAD compares: South Asian, 38%; 4,611 homozygotes.

Submissions (2):

Illumina Laboratory Services, Illumina
Classification: Benign for X-linked lymphoproliferative disease due to XIAP deficiency. Last evaluated: 2017-04-27. Review status: criteria provided, single submitter. Criteria: ICSL Variant Classification Criteria 13 December 2019. Collection method: clinical testing. Allele origin: germline.
Comment: This variant was observed as part of a predisposition screen in an ostensibly healthy population. A literature search was performed for the gene, cDNA change, and amino acid change (where applicable). No publications were found based on this search. Allele frequency data from public databases was too high to be consistent with this variant causing disease. Therefore, this variant is classified as benign.

Breakthrough Genomics
Classification: Benign. Review status: criteria provided, single submitter. Criteria: ACMG Guidelines, 2015. Collection method: not provided. Allele origin: germline. Inheritance: X-linked inheritance. Affected: yes.

NM_001167.4(XIAP):c.*3642T>G

Gene: XIAP (X-linked inhibitor of apoptosis; plus strand). Cytogenetic location: Xq25.
Variant type: single nucleotide variant.
Coding change: c.*3642T>G on transcript NM_001167.4 (MANE Select); 3642 bases downstream of the stop codon, T replaced by G.
Molecular consequence: 3 prime UTR variant. On other transcripts: non-coding transcript variant (2).
Genome position (GRCh38, 1-based): chrX:123,910,823, T>G. VCF-style: chrX-123910823-T-G. GRCh37 (hg19) VCF-style: chrX-123044673-T-G.
Other names: c.*3642T>G (NM_001204401.2, NM_001378590.1, NM_001378591.1 and 1 more transcripts).
Identifiers: ClinVar variation 367825 (VCV000367825.6), dbSNP rs28382747, ClinGen allele CA10508318.